The following is an entry in ClinVar:

NM_000038.6(APC):c.3755C>G (p.Ser1252Cys)

Gene: APC (APC regulator of Wnt signaling pathway; plus strand). Cytogenetic location: 5q22.2.
Variant type: single nucleotide variant.
Coding change: c.3755C>G on transcript NM_000038.6 (MANE Select); coding-DNA position 3755, C replaced by G.
Protein change: p.Ser1252Cys; replaces serine 1252 with cysteine.
Molecular consequence: missense variant. On other transcripts: non-coding transcript variant (2).
Genome position (GRCh38, 1-based): chr5:112,839,349, C>G. VCF-style: chr5-112839349-C-G. GRCh37 (hg19) VCF-style: chr5-112175046-C-G.
Other names: c.3755C>G, p.Ser1252Cys (NM_001127510.3, NM_001354895.2, NM_001407450.1); c.3701C>G, p.Ser1234Cys (NM_001127511.3); c.3809C>G, p.Ser1270Cys (NM_001354896.2, NM_001407447.1, NM_001407448.1 and 1 more transcripts); c.3785C>G, p.Ser1262Cys (NM_001354897.2); c.3680C>G, p.Ser1227Cys (NM_001354898.2); c.3671C>G, p.Ser1224Cys (NM_001354899.2); c.3632C>G, p.Ser1211Cys (NM_001354900.2); c.3578C>G, p.Ser1193Cys (NM_001354901.2, NM_001407453.1); and 11 more; short protein forms S1092C, S1123C, S1126C, S1151C, S1161C, S1169C, S1193C, S1211C.
Identifiers: ClinVar variation 4758685 (VCV004758685.1).

ClinVar aggregate classification (germline): Uncertain significance (1 of 4 stars; one submission).

Conditions:
Hereditary cancer-predisposing syndrome. Also called: Neoplastic Syndromes, Hereditary; Hereditary neoplastic syndrome; Tumor predisposition; Hereditary Cancer Syndrome. Identifiers: Orphanet 140162, MedGen C0027672, MeSH D009386, MONDO:0015356.

Submission:

Color Diagnostics, LLC DBA Color Health
Classification: Uncertain significance for Hereditary cancer-predisposing syndrome. Last evaluated: 2025-05-25. Review status: criteria provided, single submitter. Criteria: ACMG Guidelines, 2015. Collection method: clinical testing. Allele origin: germline.
Comment: This missense variant replaces serine with cysteine at codon 1252 of the APC protein. Computational prediction suggests that this variant may not impact protein structure and function. To our knowledge, functional studies have not been reported for this variant. This variant has not been reported in individuals affected with APC-related disorders in the literature. This variant has not been identified in the general population by the Genome Aggregation Database (gnomAD). The available evidence is insufficient to determine the role of this variant in disease conclusively. Therefore, this variant is classified as a Variant of Uncertain Significance.